The following is an entry in ClinVar:

NM_001009944.3(PKD1):c.11280dup (p.Asp3761fs)

Genes: PKD1 (polycystin 1, transient receptor potential channel interacting; minus strand), PKD1-AS1 (PKD1 antisense RNA 1; plus strand). Cytogenetic location: 16p13.3.
Variant type: Duplication.
Coding change: c.11280dup on transcript NM_001009944.3 (MANE Select); coding-DNA position 11280, one base duplicated (A; older notation c.11280dupA).
Protein change: p.Asp3761fs; shifts the reading frame from aspartic acid 3761.
Molecular consequence: frameshift variant.
Genome position (GRCh38, 1-based): chr16:2,092,178, T duplicated on the plus strand (A on the coding strand, the reverse complement: PKD1 is on the minus strand). VCF-style (leftmost placement, unchanged base first): chr16-2092177-C-CT. GRCh37 (hg19) VCF-style: chr16-2142178-C-CT.
Other names: c.11277dup, p.Asp3760fs (NM_000296.4); short protein forms D3760fs, D3761fs.
Identifiers: ClinVar variation 3889303 (VCV003889303.2).

ClinVar aggregate classification (germline): Pathogenic/Likely pathogenic. Review status: criteria provided, multiple submitters, no conflicts (2 of 4 stars). 2 submissions from 2 submitters: Pathogenic (1); Likely pathogenic (1). Last evaluated 2025-02-13.

Conditions:
Inborn genetic diseases. Identifiers: MedGen C0950123, MeSH D030342.
PKD1-related disorder. Also called: PKD1-related condition.

Submissions (2):

Ambry Genetics
Classification: Pathogenic for Inborn genetic diseases. Last evaluated: 2025-02-13. Review status: criteria provided, single submitter. Criteria: Ambry Variant Classification Scheme 2023. Collection method: clinical testing. Allele origin: germline.
Comment: The c.11277dupA (p.D3760Rfs*55) alteration, located in exon 40 (coding exon 40) of the PKD1 gene, consists of a duplication of A at position 11277, causing a translational frameshift with a predicted alternate stop codon after 55 amino acids. This alteration is expected to result in loss of function by premature protein truncation or nonsense-mediated mRNA decay. Based on the available evidence, this alteration is classified as pathogenic.

Blueprint Genetics
Classification: Likely pathogenic for PKD1-related disorders. Last evaluated: 2022-08-01. Review status: criteria provided, single submitter. Criteria: ACMG Guidelines, 2015. Collection method: clinical testing. Allele origin: germline. Affected: yes. Observed: 1 variant allele.